The following is an entry in ClinVar:

NM_144997.7(FLCN):c.1567A>G (p.Lys523Glu)

Gene: FLCN (folliculin; minus strand). Cytogenetic location: 17p11.2.
Variant type: single nucleotide variant.
Coding change: c.1567A>G on transcript NM_144997.7 (MANE Select); coding-DNA position 1567, A replaced by G.
Protein change: p.Lys523Glu; replaces lysine 523 with glutamic acid.
Molecular consequence: missense variant.
Genome position (GRCh38, 1-based): chr17:17,213,828, T>C on the plus strand (A>G on the coding strand, the complement: FLCN is on the minus strand). VCF-style: chr17-17213828-T-C. GRCh37 (hg19) VCF-style: chr17-17117142-T-C.
Other names: c.1621A>G, p.Lys541Glu (NM_001353229.2); c.1567A>G, p.Lys523Glu (NM_001353230.2, NM_001353231.2); short protein forms K523E, K541E.
Identifiers: ClinVar variation 4744777 (VCV004744777.2).

ClinVar aggregate classification (germline): Uncertain significance. Review status: criteria provided, multiple submitters, no conflicts (2 of 4 stars). 2 submissions from 2 submitters: Uncertain significance (2). Last evaluated 2026-02-11.

Conditions:
Birt-Hogg-Dube syndrome. Also called: Birt Hogg Dubé syndrome. Identifiers: Orphanet 122, MedGen C0346010, MONDO:0800444.
Hereditary cancer-predisposing syndrome. Also called: Neoplastic Syndromes, Hereditary; Hereditary neoplastic syndrome; Tumor predisposition; Hereditary Cancer Syndrome. Identifiers: Orphanet 140162, MedGen C0027672, MeSH D009386, MONDO:0015356.

Submissions (2):

Ambry Genetics
Classification: Uncertain significance for Hereditary cancer-predisposing syndrome. Last evaluated: 2026-02-11. Review status: criteria provided, single submitter. Criteria: Ambry Variant Classification Scheme 2023. Collection method: clinical testing. Allele origin: germline.
Comment: The p.K523E variant (also known as c.1567A>G), located in coding exon 11 of the FLCN gene, results from an A to G substitution at nucleotide position 1567. The lysine at codon 523 is replaced by glutamic acid, an amino acid with similar properties. This amino acid position is highly conserved in available vertebrate species. In addition, the in silico prediction for this alteration is inconclusive. Based on the available evidence, the clinical significance of this variant remains unclear.

Labcorp Genetics (formerly Invitae), Labcorp
Classification: Uncertain significance for Birt-Hogg-Dube syndrome. Last evaluated: 2025-07-09. Review status: criteria provided, single submitter. Criteria: Invitae Variant Classification Sherloc (09022015). Collection method: clinical testing. Allele origin: germline.
Comment: This sequence change replaces lysine, which is basic and polar, with glutamic acid, which is acidic and polar, at codon 523 of the FLCN protein (p.Lys523Glu). This variant is not present in population databases (gnomAD no frequency). This variant has not been reported in the literature in individuals affected with FLCN-related conditions. Invitae Evidence Modeling of protein sequence and biophysical properties (such as structural, functional, and spatial information, amino acid conservation, physicochemical variation, residue mobility, and thermodynamic stability) has been performed for this missense variant. However, the output from this modeling did not meet the statistical confidence thresholds required to predict the impact of this variant on FLCN protein function. In summary, the available evidence is currently insufficient to determine the role of this variant in disease. Therefore, it has been classified as a Variant of Uncertain Significance.